The following is an entry in ClinVar:

NM_000321.3(RB1):c.2138A>G (p.Lys713Arg)

Gene: RB1 (RB transcriptional corepressor 1; plus strand). Cytogenetic location: 13q14.2.
Variant type: single nucleotide variant.
Coding change: c.2138A>G on transcript NM_000321.3 (MANE Select); coding-DNA position 2138, A replaced by G.
Protein change: p.Lys713Arg; replaces lysine 713 with arginine.
Molecular consequence: missense variant.
Genome position (GRCh38, 1-based): chr13:48,463,762, A>G. VCF-style: chr13-48463762-A-G. GRCh37 (hg19) VCF-style: chr13-49037898-A-G.
Other names: short protein forms K713R.
Identifiers: ClinVar variation 820731 (VCV000820731.5), dbSNP rs1593538161, ClinGen allele CA388167074.

ClinVar aggregate classification (germline): Uncertain significance (1 of 4 stars; one submission).

Conditions:
Hereditary cancer-predisposing syndrome. Also called: Tumor predisposition; Hereditary Cancer Syndrome; Neoplastic Syndromes, Hereditary; Hereditary neoplastic syndrome. Identifiers: Orphanet 140162, MedGen C0027672, MeSH D009386, MONDO:0015356.

Submission:

Ambry Genetics
Classification: Uncertain significance for Hereditary cancer-predisposing syndrome. Last evaluated: 2026-08-07. Review status: criteria provided, single submitter. Criteria: Ambry Variant Classification Scheme 2023. Collection method: clinical testing. Allele origin: germline.
Comment: The p.K713R variant (also known as c.2138A>G), located in coding exon 21 of the RB1 gene, results from an A to G substitution at nucleotide position 2138. The lysine at codon 713 is replaced by arginine, an amino acid with highly similar properties. This amino acid position is highly conserved in available vertebrate species. In addition, this alteration is predicted to be deleterious by in silico analysis. Since supporting evidence is limited at this time, the clinical significance of this alteration remains unclear.